The following is an entry in ClinVar:

NM_002715.4(PPP2CA):c.801T>C (p.Tyr267=)

Gene: PPP2CA (protein phosphatase 2 catalytic subunit alpha; minus strand). Cytogenetic location: 5q31.1.
Variant type: single nucleotide variant.
Coding change: c.801T>C on transcript NM_002715.4 (MANE Select); coding-DNA position 801, T replaced by C.
Protein change: p.Tyr267=; no amino-acid change (tyrosine 267 retained).
Molecular consequence: synonymous variant. On other transcripts: non-coding transcript variant (1).
Genome position (GRCh38, 1-based): chr5:134,199,142, A>G on the plus strand (T>C on the coding strand, the complement: PPP2CA is on the minus strand). VCF-style: chr5-134199142-A-G. GRCh37 (hg19) VCF-style: chr5-133534833-A-G.
Other names: c.606T>C, p.Tyr202= (NM_001355019.2).
Identifiers: ClinVar variation 1900498 (VCV001900498.6), dbSNP rs115191122, ClinGen allele CA3412765.
Genomic context (GRCh38, chr5:134,199,142, plus strand): 5'-TTACAAAGAGTATTTTAGAGTATCGTCAAGTTCCATGATTGCAGCTTGGTTACCACAACG[A>G]TAACAATAGTTTGGAGCACTGAAAATCGTTACTACATTCCGGTCATGGCACCAGTTATAT-3'
Protein context (NP_002706.1, residues 257-277): VTIFSAPNYC[Tyr267=]RCGNQAAIME

ClinVar aggregate classification (germline): Likely benign. Review status: criteria provided, multiple submitters, no conflicts (2 of 4 stars). 2 submissions from 2 submitters: Likely benign (2). Last evaluated 2026-07-01.

Allele frequency attached by ClinVar (database versions not stated): gnomAD exomes 0.00001; TOPMed 0.00001; ExAC 0.00002; gnomAD 0.00002; ESP Exome Variant Server 0.00008; 1000 Genomes Project 0.00020; 1000 Genomes Project 30x 0.00031.
gnomAD v4.1: 15 of 1,614,178 alleles (0.00093%); highest among the groups gnomAD compares: African/African-American, 0.0027%; no homozygotes.

Submissions (2):

CeGaT Center for Human Genetics Tuebingen
Classification: Likely benign. Last evaluated: 2026-07-01. Review status: criteria provided, single submitter. Criteria: CeGaT Center For Human Genetics Tuebingen Variant Classification Criteria Version 2. Collection method: clinical testing. Allele origin: germline. Affected: yes. Observed: 1 variant allele.
Comment: PPP2CA: BP4, BP7

Labcorp Genetics (formerly Invitae), Labcorp
Classification: Likely benign. Last evaluated: 2025-09-16. Review status: criteria provided, single submitter. Criteria: Invitae Variant Classification Sherloc (09022015). Collection method: clinical testing. Allele origin: germline.